The following is an entry in ClinVar:

ClinVar aggregate classification (germline): Benign. Review status: criteria provided, multiple submitters, no conflicts (2 of 4 stars). 10 submissions from 10 submitters: Benign (9). 1 of the submissions does not count toward it. Last evaluated 2026-02-04.

Conditions:
Finnish congenital nephrotic syndrome (NPHS1). Also called: NEPHROTIC SYNDROME, TYPE 1. Identifiers: Orphanet 839, MedGen C0403399, MONDO:0009732, OMIM 256300.
Congenital nephrotic syndrome. Also called: Familial nephrotic syndrome. Identifiers: MedGen C3501848, MeSH C535761, MONDO:0002350, HP:0008677.

Allele frequency attached by ClinVar (database versions not stated): gnomAD exomes 0.03841 and 0.04545; ExAC 0.04846; 1000 Genomes Project 0.08506; gnomAD 0.08568 and 0.08969; 1000 Genomes Project 30x 0.08963; TOPMed 0.09126; ESP Exome Variant Server 0.09496.
gnomAD v4.1: 69,554 of 1,613,988 alleles (4.3%); highest among the groups gnomAD compares: African/African-American, 22%; 2,819 homozygotes.

Submissions (10):

Labcorp Genetics (formerly Invitae), Labcorp
Classification: Benign. Last evaluated: 2026-02-04. Review status: criteria provided, single submitter. Criteria: Invitae Variant Classification Sherloc (09022015). Collection method: clinical testing. Allele origin: germline.

Blueprint Genetics
Classification: Benign. Last evaluated: 2024-11-28. Review status: criteria provided, single submitter. Criteria: ACMG Guidelines, 2015. Collection method: clinical testing. Allele origin: germline.

Mayo Clinic Laboratories, Mayo Clinic
Classification: Benign. Last evaluated: 2022-03-09. Review status: criteria provided, single submitter. Criteria: ACMG Guidelines, 2015. Collection method: clinical testing. Allele origin: germline. Observed: 19 variant alleles.

Genome-Nilou Lab
Classification: Benign for Finnish congenital nephrotic syndrome. Last evaluated: 2021-06-10. Review status: criteria provided, single submitter. Criteria: ACMG Guidelines, 2015. Collection method: clinical testing. Allele origin: germline. Affected: no.

GeneDx
Classification: Benign. Last evaluated: 2018-11-12. Review status: criteria provided, single submitter. Criteria: GeneDx Variant Classification Process June 2021. Collection method: clinical testing. Allele origin: germline. Affected: yes.

Illumina Laboratory Services, Illumina
Classification: Benign for Congenital nephrotic syndrome. Last evaluated: 2018-01-12. Review status: criteria provided, single submitter. Criteria: ICSL Variant Classification Criteria 13 December 2019. Collection method: clinical testing. Allele origin: germline.
Comment: This variant was observed in the ICSL laboratory as part of a predisposition screen in an ostensibly healthy population. It had not been previously curated by ICSL or reported in the Human Gene Mutation Database (HGMD: prior to June 1st, 2018), and was therefore a candidate for classification through an automated scoring system. Utilizing variant allele frequency, disease prevalence and penetrance estimates, and inheritance mode, an automated score was calculated to assess if this variant is too frequent to cause the disease. Based on the score and internal cut-off values, a variant classified as benign is not then subjected to further curation. The score for this variant resulted in a classification of benign for this disease.

Athena Diagnostics
Classification: Benign for Finnish congenital nephrotic syndrome. Last evaluated: 2017-05-15. Review status: criteria provided, single submitter. Criteria: Athena Diagnostics Criteria. Collection method: clinical testing. Allele origin: germline.

Breakthrough Genomics
Classification: Benign. Review status: criteria provided, single submitter. Criteria: ACMG Guidelines, 2015. Collection method: not provided. Allele origin: germline. Inheritance: Autosomal recessive inheritance. Affected: yes.

PreventionGenetics, part of Exact Sciences
Classification: Benign. Review status: criteria provided, single submitter. Criteria: ACMG Guidelines, 2015. Collection method: clinical testing. Allele origin: germline.

Natera, Inc.
Classification: Benign for Finnish congenital nephrotic syndrome. Last evaluated: 2020-09-16. Review status: no assertion criteria provided. Collection method: clinical testing. Allele origin: germline. Not counted in ClinVar's aggregate classification.

Literature cited by the submitters: PubMed 15968559 (cited by Athena Diagnostics); PubMed 15086927 (cited by Athena Diagnostics).

NM_004646.4(NPHS1):c.1320C>T (p.Pro440=)

Gene: NPHS1 (NPHS1 adhesion molecule, nephrin; minus strand). Cytogenetic location: 19q13.12.
Variant type: single nucleotide variant.
Coding change: c.1320C>T on transcript NM_004646.4 (MANE Select); coding-DNA position 1320, C replaced by T.
Protein change: p.Pro440=; no amino-acid change (proline 440 retained).
Molecular consequence: synonymous variant.
Genome position (GRCh38, 1-based): chr19:35,848,161, G>A on the plus strand (C>T on the coding strand, the complement: NPHS1 is on the minus strand). VCF-style: chr19-35848161-G-A. GRCh37 (hg19) VCF-style: chr19-36339063-G-A.
Other names: p.Pro440=.
Identifiers: ClinVar variation 259484 (VCV000259484.22), dbSNP rs392702, ClinGen allele CA9390462.